The following is an entry in ClinVar:

ClinVar aggregate classification (germline): Uncertain significance. Review status: criteria provided, multiple submitters, no conflicts (2 of 4 stars). 2 submissions from 2 submitters: Uncertain significance (2). Last evaluated 2026-08-31.

Conditions:
Inborn genetic diseases. Identifiers: MedGen C0950123, MeSH D030342.
Acute myeloid leukemia (AML). Also called: Acute myeloid leukemia, adult; AML adult; Acute non-lymphocytic leukemia; Acute granulocytic leukemia; Leukemia, acute myelogenous, somatic; Leukemia, acute myeloid, somatic. Identifiers: Orphanet 519, MedGen C0023467, MeSH D015470, MONDO:0018874, OMIM 601626, HP:0004808. Disease mechanism: Constitutively activated FLT3.

Allele frequency attached by ClinVar (database versions not stated): gnomAD exomes below 0.00001.
gnomAD v4.1: 2 of 1,613,272 alleles (0.00012%); highest among the groups gnomAD compares: Non-Finnish European, 0.000085%; no homozygotes.

Submissions (2):

Ambry Genetics
Classification: Uncertain significance for Inborn genetic diseases. Last evaluated: 2026-08-31. Review status: criteria provided, single submitter. Criteria: Ambry Variant Classification Scheme 2023. Collection method: clinical testing. Allele origin: germline.
Comment: The p.S319G variant (also known as c.955A>G), located in coding exon 1 of the CEBPA gene, results from an A to G substitution at nucleotide position 955. The serine at codon 319 is replaced by glycine, an amino acid with similar properties. This amino acid position is conserved. In addition, this alteration is predicted to be tolerated by in silico analysis. Based on the available evidence, the clinical significance of this variant remains unclear.

Labcorp Genetics (formerly Invitae), Labcorp
Classification: Uncertain significance for Acute myeloid leukemia. Last evaluated: 2019-07-31. Review status: criteria provided, single submitter. Criteria: Invitae Variant Classification Sherloc (09022015). Collection method: clinical testing. Allele origin: germline.
Comment: This sequence change replaces serine with glycine at codon 319 of the CEBPA protein (p.Ser319Gly). The serine residue is moderately conserved and there is a small physicochemical difference between serine and glycine. This variant is not present in population databases (ExAC no frequency). This variant has not been reported in the literature in individuals with CEBPA-related conditions. Algorithms developed to predict the effect of missense changes on protein structure and function (SIFT, PolyPhen-2, Align-GVGD) all suggest that this variant is likely to be tolerated, but these predictions have not been confirmed by published functional studies and their clinical significance is uncertain. In summary, the available evidence is currently insufficient to determine the role of this variant in disease. Therefore, it has been classified as a Variant of Uncertain Significance.

NM_004364.5(CEBPA):c.955A>G (p.Ser319Gly)

Gene: CEBPA (CCAAT enhancer binding protein alpha; minus strand). Cytogenetic location: 19q13.11.
Variant type: single nucleotide variant.
Coding change: c.955A>G on transcript NM_004364.5 (MANE Select); coding-DNA position 955, A replaced by G.
Protein change: p.Ser319Gly; replaces serine 319 with glycine.
Molecular consequence: missense variant.
Genome position (GRCh38, 1-based): chr19:33,301,460, T>C on the plus strand (A>G on the coding strand, the complement: CEBPA is on the minus strand). VCF-style: chr19-33301460-T-C. GRCh37 (hg19) VCF-style: chr19-33792366-T-C.
Other names: c.598A>G, p.Ser200Gly (NM_001285829.2); c.1060A>G, p.Ser354Gly (NM_001287424.2); c.913A>G, p.Ser305Gly (NM_001287435.2); c.955A>G (NM_004364.3); short protein forms S354G, S319G, S200G, S305G.
Identifiers: ClinVar variation 955474 (VCV000955474.11), dbSNP rs1555741962, ClinGen allele CA405273845.